The following is an entry in ClinVar:

ClinVar aggregate classification (germline): Benign/Likely benign. Review status: criteria provided, multiple submitters, no conflicts (2 of 4 stars). 4 submissions from 4 submitters: Benign (1); Likely benign (3). Last evaluated 2024-10-14.

Conditions:
SCAPER-related disorder. Also called: SCAPER-related condition.

Allele frequency attached by ClinVar (database versions not stated): gnomAD exomes 0.00007 and 0.00018; ExAC 0.00029; ESP Exome Variant Server 0.00049; gnomAD 0.00068 and 0.00072; TOPMed 0.00080; 1000 Genomes Project 30x 0.00156; 1000 Genomes Project 0.00180.
gnomAD v4.1: 214 of 1,613,706 alleles (0.013%); highest among the groups gnomAD compares: African/African-American, 0.23%; 1 homozygote.

Submissions (4):

PreventionGenetics, part of Exact Sciences
Classification: Likely benign for SCAPER-related condition. Last evaluated: 2024-10-14. Review status: criteria provided, single submitter. Criteria: ACMG Guidelines, 2015. Collection method: clinical testing. Allele origin: germline.
Comment: This variant is classified as likely benign based on ACMG/AMP sequence variant interpretation guidelines (Richards et al. 2015 PMID: 25741868, with internal and published modifications).

Blueprint Genetics
Classification: Likely benign. Last evaluated: 2024-09-24. Review status: criteria provided, single submitter. Criteria: ACMG Guidelines, 2015. Collection method: clinical testing. Allele origin: germline.

CeGaT Center for Human Genetics Tuebingen
Classification: Likely benign. Last evaluated: 2023-12-01. Review status: criteria provided, single submitter. Criteria: CeGaT Center For Human Genetics Tuebingen Variant Classification Criteria Version 2. Collection method: clinical testing. Allele origin: germline. Affected: yes. Observed: 1 variant allele.
Comment: SCAPER: BP4, BP7

Labcorp Genetics (formerly Invitae), Labcorp
Classification: Benign. Last evaluated: 2018-12-11. Review status: criteria provided, single submitter. Criteria: Invitae Variant Classification Sherloc (09022015). Collection method: clinical testing. Allele origin: germline.

NM_020843.4(SCAPER):c.3597C>T (p.Pro1199=)

Gene: SCAPER (S-phase cyclin A associated protein in the ER; minus strand). Cytogenetic location: 15q24.3.
Variant type: single nucleotide variant.
Coding change: c.3597C>T on transcript NM_020843.4 (MANE Select); coding-DNA position 3597, C replaced by T.
Protein change: p.Pro1199=; no amino-acid change (proline 1199 retained).
Molecular consequence: synonymous variant. On other transcripts: non-coding transcript variant (1).
Genome position (GRCh38, 1-based): chr15:76,381,486, G>A on the plus strand (C>T on the coding strand, the complement: SCAPER is on the minus strand). VCF-style: chr15-76381486-G-A. GRCh37 (hg19) VCF-style: chr15-76673827-G-A.
Other names: c.2859C>T, p.Pro953= (NM_001145923.2); c.3615C>T, p.Pro1205= (NM_001353009.2); c.3195C>T, p.Pro1065= (NM_001353010.2, NM_001353012.2); c.3213C>T, p.Pro1071= (NM_001353011.2); c.3615C>T (NM_001353009.1).
Identifiers: ClinVar variation 778556 (VCV000778556.27), dbSNP rs150628682, ClinGen allele CA7674401.
Genomic context (GRCh38, chr15:76,381,486, plus strand): 5'-ACTCTGAATGGCCACTTGGATGGTATTTTGAGTGTAATTCTCCTTGGGACTGGCAGTGCT[G>A]GGGTCCAAGATGGTGCCATGGAAGAGGACACAGTAGAGCATATGAAGAACTCCAGCCAGG-3'
Protein context (NP_065894.2, residues 1189-1209): CVLFHGTILD[Pro1199=]STASPKENYT